The following is an entry in ClinVar:

NM_005006.7(NDUFS1):c.-5+207G>T

Genes: NDUFS1 (NADH:ubiquinone oxidoreductase core subunit S1; minus strand), LOC129935473 (ATAC-STARR-seq lymphoblastoid active region 17025; plus strand). Cytogenetic location: 2q33.3.
Variant type: single nucleotide variant.
Coding change: c.-5+207G>T on transcript NM_005006.7 (MANE Select); 207 bases into the intron after 5 bases upstream of the start codon, G replaced by T.
Molecular consequence: intron variant. On other transcripts: 5 prime UTR variant (1).
Genome position (GRCh38, 1-based): chr2:206,159,134, C>A on the plus strand (G>T on the coding strand, the complement: NDUFS1 is on the minus strand). VCF-style: chr2-206159134-C-A. GRCh37 (hg19) VCF-style: chr2-207023858-C-A.
Other names: c.-1G>T (NM_001199984.2); c.-61+207G>T (NM_001199982.2); c.-84+207G>T (NM_001199983.2); c.-5+207G>T (NM_001199981.2).
Identifiers: ClinVar variation 3050783 (VCV003050783.2), dbSNP rs904529124, ClinGen allele CA63678779.

ClinVar aggregate classification (germline): Likely benign (0 of 4 stars; one submission).

Conditions:
NDUFS1-related disorder. Also called: NDUFS1-related condition.

gnomAD v4.1: 5 of 1,535,618 alleles (0.00033%); highest among the groups gnomAD compares: African/African-American, 0.0068%; no homozygotes.

Submission:

PreventionGenetics, part of Exact Sciences
Classification: Likely benign for NDUFS1-related condition. Last evaluated: 2022-11-28. Review status: no assertion criteria provided. Collection method: clinical testing. Allele origin: germline.
Comment: This variant is classified as likely benign based on ACMG/AMP sequence variant interpretation guidelines (Richards et al. 2015 PMID: 25741868, with internal and published modifications).